The following is an entry in ClinVar:

ClinVar aggregate classification (germline): Uncertain significance. Review status: criteria provided, multiple submitters, no conflicts (2 of 4 stars). 2 submissions from 2 submitters: Uncertain significance (2). Last evaluated 2025-06-04.

Conditions:
Primary ciliary dyskinesia. Also called: Ciliary dyskinesia. Identifiers: Orphanet 244, MedGen C0008780, MONDO:0016575, HP:0012265.

Allele frequency attached by ClinVar (database versions not stated): gnomAD exomes 0.00005 and 0.00008; ExAC 0.00006; gnomAD 0.00007 and 0.00008; TOPMed 0.00009; ESP Exome Variant Server 0.00015.
gnomAD v4.1: 129 of 1,612,242 alleles (0.008%); highest among the groups gnomAD compares: Admixed American, 0.02%; no homozygotes.

Submissions (2):

Ambry Genetics
Classification: Uncertain significance. Last evaluated: 2025-06-04. Review status: criteria provided, single submitter. Criteria: Ambry Variant Classification Scheme 2023. Collection method: clinical testing. Allele origin: germline.

Labcorp Genetics (formerly Invitae), Labcorp
Classification: Uncertain significance for Primary ciliary dyskinesia. Last evaluated: 2022-10-15. Review status: criteria provided, single submitter. Criteria: Invitae Variant Classification Sherloc (09022015). Collection method: clinical testing. Allele origin: germline.
Comment: This sequence change replaces asparagine, which is neutral and polar, with tyrosine, which is neutral and polar, at codon 4233 of the DNAH8 protein (p.Asn4233Tyr). This variant is present in population databases (rs368787070, gnomAD 0.01%). This missense change has been observed in individuals with clinical features of primary ciliary dyskinesia (Invitae). ClinVar contains an entry for this variant (Variation ID: 1042275). Advanced modeling of protein sequence and biophysical properties (such as structural, functional, and spatial information, amino acid conservation, physicochemical variation, residue mobility, and thermodynamic stability) performed at Invitae indicates that this missense variant is not expected to disrupt DNAH8 protein function. In summary, the available evidence is currently insufficient to determine the role of this variant in disease. Therefore, it has been classified as a Variant of Uncertain Significance.

NM_001206927.2(DNAH8):c.12697A>T (p.Asn4233Tyr)

Gene: DNAH8 (dynein axonemal heavy chain 8; plus strand). Cytogenetic location: 6p21.2.
Variant type: single nucleotide variant.
Coding change: c.12697A>T on transcript NM_001206927.2 (MANE Select); coding-DNA position 12697, A replaced by T.
Protein change: p.Asn4233Tyr; replaces asparagine 4233 with tyrosine.
Molecular consequence: missense variant.
Genome position (GRCh38, 1-based): chr6:38,974,392, A>T. VCF-style: chr6-38974392-A-T. GRCh37 (hg19) VCF-style: chr6-38942168-A-T.
Other names: c.12046A>T, p.Asn4016Tyr (NM_001371.4); c.12697A>T (NM_001206927.1); short protein forms N4233Y, N4016Y.
Identifiers: ClinVar variation 1042275 (VCV001042275.7), dbSNP rs368787070, ClinGen allele CA3791445.